The following is an entry in ClinVar:

ClinVar aggregate classification (germline): Uncertain significance (1 of 4 stars; one submission).

Conditions:
Brugada syndrome 8 (BRGDA8). Identifiers: Orphanet 130, MedGen C2751083, MONDO:0013148, OMIM 613123.

Submission:

Labcorp Genetics (formerly Invitae), Labcorp
Classification: Uncertain significance for Brugada syndrome 8. Last evaluated: 2023-08-07. Review status: criteria provided, single submitter. Criteria: Invitae Variant Classification Sherloc (09022015). Collection method: clinical testing. Allele origin: germline.
Comment: This sequence change replaces leucine, which is neutral and non-polar, with arginine, which is basic and polar, at codon 100 of the HCN4 protein (p.Leu100Arg). This variant is not present in population databases (gnomAD no frequency). This variant has not been reported in the literature in individuals affected with HCN4-related conditions. Advanced modeling of protein sequence and biophysical properties (such as structural, functional, and spatial information, amino acid conservation, physicochemical variation, residue mobility, and thermodynamic stability) performed at Invitae indicates that this missense variant is not expected to disrupt HCN4 protein function. In summary, the available evidence is currently insufficient to determine the role of this variant in disease. Therefore, it has been classified as a Variant of Uncertain Significance.

NM_005477.3(HCN4):c.299T>G (p.Leu100Arg)

Gene: HCN4 (hyperpolarization activated cyclic nucleotide gated potassium channel 4; minus strand). Cytogenetic location: 15q24.1.
Variant type: single nucleotide variant.
Coding change: c.299T>G on transcript NM_005477.3 (MANE Select); coding-DNA position 299, T replaced by G.
Protein change: p.Leu100Arg; replaces leucine 100 with arginine.
Molecular consequence: missense variant.
Genome position (GRCh38, 1-based): chr15:73,367,972, A>C on the plus strand (T>G on the coding strand, the complement: HCN4 is on the minus strand). VCF-style: chr15-73367972-A-C. GRCh37 (hg19) VCF-style: chr15-73660313-A-C.
Other names: short protein forms L100R.
Identifiers: ClinVar variation 2716696 (VCV002716696.3), dbSNP rs2549080522, ClinGen allele CA393098442.
Genomic context (GRCh38, chr15:73,367,972, plus strand): 5'-CCGTGACTGCTGCCGCTCCCCGTGCCGCCGCTGCCGCCGCCCCGGCTGCCCAGCGAGGCC[A>C]GGCTCCCGCGGAAGCGCCTGCAGTCGCCGTTCGTGCTGGACTTGCCCGCGCCGCGGGCCG-3'
Protein context (NP_005468.1, residues 90-110): NGDCRRFRGS[Leu100Arg]ASLGSRGGGS